The following is an entry in ClinVar:

NM_006279.5(ST3GAL3):c.937G>A (p.Gly313Ser)

Gene: ST3GAL3 (ST3 beta-galactoside alpha-2,3-sialyltransferase 3; plus strand). Cytogenetic location: 1p34.1.
Variant type: single nucleotide variant.
Coding change: c.937G>A on transcript NM_006279.5 (MANE Select); coding-DNA position 937, G replaced by A.
Protein change: p.Gly313Ser; replaces glycine 313 with serine.
Molecular consequence: missense variant. On other transcripts: non-coding transcript variant (6), intron variant (11).
Genome position (GRCh38, 1-based): chr1:43,920,827, G>A. VCF-style: chr1-43920827-G-A. GRCh37 (hg19) VCF-style: chr1-44386499-G-A.
Other names: c.847G>A, p.Gly283Ser (NM_001270459.2); c.844G>A, p.Gly282Ser (NM_001270460.2); c.982G>A, p.Gly328Ser (NM_001350619.2, NM_174964.4); c.937G>A, p.Gly313Ser (NM_001350620.2); c.658G>A, p.Gly220Ser (NM_001350621.2); c.1144G>A, p.Gly382Ser (NM_174963.5); c.1099G>A, p.Gly367Ser (NM_174968.5); c.889G>A, p.Gly297Ser (NM_174969.4); and 12 more; short protein forms G220S, G282S, G283S, G297S, G313S, G328S, G351S, G367S.
Identifiers: ClinVar variation 1023648 (VCV001023648.7), dbSNP rs777609078, ClinGen allele CA814850.

ClinVar aggregate classification (germline): Uncertain significance (1 of 4 stars; one submission).

Conditions:
Developmental and epileptic encephalopathy. Identifiers: MedGen C5779964, MONDO:0100620.

Allele frequency attached by ClinVar (database versions not stated): gnomAD 0.00001; TOPMed 0.00001; ExAC 0.00002; gnomAD exomes 0.00002.

Submission:

Labcorp Genetics (formerly Invitae), Labcorp
Classification: Uncertain significance for Early-infantile DEE. Last evaluated: 2020-08-20. Review status: criteria provided, single submitter. Criteria: Invitae Variant Classification Sherloc (09022015). Collection method: clinical testing. Allele origin: germline.
Comment: This sequence change replaces glycine with serine at codon 313 of the ST3GAL3 protein (p.Gly313Ser). The glycine residue is moderately conserved and there is a small physicochemical difference between glycine and serine. In summary, the available evidence is currently insufficient to determine the role of this variant in disease. Therefore, it has been classified as a Variant of Uncertain Significance. Algorithms developed to predict the effect of sequence changes on RNA splicing suggest that this variant may create or strengthen a splice site, but this prediction has not been confirmed by published transcriptional studies. Algorithms developed to predict the effect of missense changes on protein structure and function output the following: SIFT: "Tolerated"; PolyPhen-2: "Benign"; Align-GVGD: "Class C0". The serine amino acid residue is found in multiple mammalian species, suggesting that this missense change does not adversely affect protein function. These predictions have not been confirmed by published functional studies and their clinical significance is uncertain. This variant has not been reported in the literature in individuals with ST3GAL3-related conditions. This variant is present in population databases (rs777609078, ExAC 0.003%).